The following is an entry in ClinVar:

NM_003491.4(NAA10):c.385C>G (p.Gln129Glu)

Gene: NAA10 (N-alpha-acetyltransferase 10, NatA catalytic subunit; minus strand). Cytogenetic location: Xq28.
Variant type: single nucleotide variant.
Coding change: c.385C>G on transcript NM_003491.4 (MANE Select); coding-DNA position 385, C replaced by G.
Protein change: p.Gln129Glu; replaces glutamine 129 with glutamic acid.
Molecular consequence: missense variant. On other transcripts: intron variant (1).
Genome position (GRCh38, 1-based): chrX:153,932,072, G>C on the plus strand (C>G on the coding strand, the complement: NAA10 is on the minus strand). VCF-style: chrX-153932072-G-C. GRCh37 (hg19) VCF-style: chrX-153197525-G-C.
Other names: c.367C>G, p.Gln123Glu (NM_001256120.2); c.341+244C>G (NM_001256119.2); short protein forms Q123E, Q129E.
Identifiers: ClinVar variation 4537550 (VCV004537550.1).

ClinVar aggregate classification (germline): Uncertain significance (1 of 4 stars; one submission).

Submission:

GeneDx
Classification: Uncertain significance. Last evaluated: 2025-06-11. Review status: criteria provided, single submitter. Criteria: GeneDx Variant Classification Process June 2021. Collection method: clinical testing. Allele origin: germline. Affected: yes.
Comment: Not observed at significant frequency in large population cohorts (gnomAD); In silico analysis suggests that this missense variant does not alter protein structure/function; Has not been previously published as pathogenic or benign to our knowledge